The following is an entry in ClinVar:

NM_152468.5(TMC8):c.697_698del (p.Leu233fs)

Gene: TMC8 (transmembrane channel like 8; plus strand). Cytogenetic location: 17q25.3.
Variant type: Microsatellite.
Coding change: c.697_698del on transcript NM_152468.5 (MANE Select); coding-DNA positions 697 to 698, 2 bases deleted (CT; older notation c.697_698delCT).
Protein change: p.Leu233fs; shifts the reading frame from leucine 233.
Molecular consequence: frameshift variant.
Genome position (GRCh38, 1-based): chr17:78,133,881-78,133,882, CT deleted; deleting any 2 consecutive bases within chr17:78,133,879-78,133,882 gives the same sequence; the c. name uses the placement nearest the transcript's 3' end. VCF-style (leftmost placement, unchanged base first): chr17-78133878-ACT-A. GRCh37 (hg19) VCF-style: chr17-76129959-ACT-A.
Other names: short protein forms L233fs.
Identifiers: ClinVar variation 3005268 (VCV003005268.3), dbSNP rs750132459, ClinGen allele CA8796583.
Genomic context (GRCh38, chr17:78,133,878, plus strand): 5'-CCTCCTCCAGCAGCCCCTGGTCTCCTGCCCCGCAGGATGGTGAAGGGGCTGCCGCAGAAG[ACT>A]CTGCTGGGTCAGGGCTATCAGGCGCCTCTCAGCGCCAAGGTCTTCTCCTCATGGGACTTC-3'

ClinVar aggregate classification (germline): Pathogenic (1 of 4 stars; one submission).

Conditions:
Epidermodysplasia verruciformis. Identifiers: Orphanet 302, MedGen C0014522, MONDO:0009176.

Submission:

Labcorp Genetics (formerly Invitae), Labcorp
Classification: Pathogenic for Epidermodysplasia verruciformis. Last evaluated: 2023-10-10. Review status: criteria provided, single submitter. Criteria: Invitae Variant Classification Sherloc (09022015). Collection method: clinical testing. Allele origin: germline.
Comment: This sequence change creates a premature translational stop signal (p.Leu233Alafs*33) in the TMC8 gene. It is expected to result in an absent or disrupted protein product. Loss-of-function variants in TMC8 are known to be pathogenic (PMID: 12426567, 22158547). This variant is present in population databases (rs750132459, gnomAD 0.008%). This variant has not been reported in the literature in individuals affected with TMC8-related conditions. For these reasons, this variant has been classified as Pathogenic.

Literature cited by the submitters: PubMed 12426567; PubMed 22158547.